The following is an entry in ClinVar:

ClinVar aggregate classification (germline): Uncertain significance. Review status: criteria provided, multiple submitters, no conflicts (2 of 4 stars). 3 submissions from 3 submitters: Uncertain significance (2). 1 of the submissions does not count toward it. Last evaluated 2025-09-03.

Conditions:
Radioulnar synostosis. Also called: Congenital radioulnar synostosis. Identifiers: Orphanet 3269, MedGen C0158761, MONDO:0017985, HP:0002974.
Aortic valve disease 2 (AOVD2). Identifiers: MedGen C3542024, MONDO:0013902, OMIM 614823.

gnomAD v4.1: 3 of 1,230,482 alleles (0.00024%); highest among the groups gnomAD compares: Admixed American, 0.0043%; no homozygotes.

Submissions (3):

Labcorp Genetics (formerly Invitae), Labcorp
Classification: Uncertain significance for Aortic valve disease 2. Last evaluated: 2025-09-03. Review status: criteria provided, single submitter. Criteria: Invitae Variant Classification Sherloc (09022015). Collection method: clinical testing. Allele origin: germline.
Comment: This sequence change creates a premature translational stop signal (p.Glu118*) in the SMAD6 gene. It is expected to result in an absent or disrupted protein product. However, the current clinical and genetic evidence is not sufficient to establish whether loss-of-function variants in SMAD6 cause disease. This variant is not present in population databases (gnomAD no frequency). This premature translational stop signal has been observed in individual(s) with radioulnar synostosis (PMID: 34953066). ClinVar contains an entry for this variant (Variation ID: 1174548). In summary, the available evidence is currently insufficient to determine the role of this variant in disease. Therefore, it has been classified as a Variant of Uncertain Significance.

Women's Health and Genetics/Laboratory Corporation of America, LabCorp
Classification: Uncertain significance. Last evaluated: 2025-06-23. Review status: criteria provided, single submitter. Criteria: LabCorp Variant Classification Summary - May 2015. Collection method: clinical testing. Allele origin: germline.
Comment: Variant summary: SMAD6 c.352G>T (p.Glu118X) results in a premature termination codon, predicted to cause a truncation of the encoded protein or absence of the protein due to nonsense mediated decay, however current evidence is not sufficient to establish loss of function as a mechanism for disease. The frequency data for this variant in gnomAD is considered unreliable, as metrics indicate poor data quality at this position. c.352G>T has been observed in individual(s) affected with radioulnar synostosis (Shen_2022). These report(s) do not provide unequivocal conclusions about association of the variant with Aortic Valve Disease. The following publication has been ascertained in the context of this evaluation (PMID: 34953066). ClinVar contains an entry for this variant (Variation ID: 1174548). Based on the evidence outlined above, the variant was classified as uncertain significance.

The Laboratory of Genetics and Metabolism, Hunan Children’s Hospital
Classification: Pathogenic for Radioulnar synostosis. Last evaluated: 2020-06-20. Review status: no assertion criteria provided. Collection method: research. Allele origin: maternal. Affected: yes. Not counted in ClinVar's aggregate classification.

Literature cited by the submitters: PubMed 34953066 (cited by Labcorp Genetics (formerly Invitae), Labcorp and Women's Health and Genetics/Laboratory Corporation of America, LabCorp).

NM_005585.5(SMAD6):c.352G>T (p.Glu118Ter)

Gene: SMAD6 (SMAD family member 6; plus strand). Cytogenetic location: 15q22.31.
Variant type: single nucleotide variant.
Coding change: c.352G>T on transcript NM_005585.5 (MANE Select); coding-DNA position 352, G replaced by T.
Protein change: p.Glu118Ter; replaces glutamic acid 118 with a stop codon.
Molecular consequence: nonsense. On other transcripts: non-coding transcript variant (1).
Genome position (GRCh38, 1-based): chr15:66,703,610, G>T. VCF-style: chr15-66703610-G-T. GRCh37 (hg19) VCF-style: chr15-66995948-G-T.
Other names: short protein forms E118*.
Identifiers: ClinVar variation 1174548 (VCV001174548.4), dbSNP rs1324979905, ClinGen allele CA392949358.